The following is an entry in ClinVar:

ClinVar aggregate classification (germline): Uncertain significance (1 of 4 stars; one submission).

Conditions:
Emery-Dreifuss muscular dystrophy 4, autosomal dominant (EDMD4). Also called: EMERY-DREIFUSS MUSCULAR DYSTROPHY 4 WITH VARIABLE FEATURES. Identifiers: Orphanet 261, MedGen C2751807, MONDO:0013071, OMIM 612998.
Autosomal recessive ataxia, Beauce type. Also called: Spinocerebellar ataxia, autosomal recessive 8; ATAXIA, RECESSIVE, OF BEAUCE; SYNE1 Deficiency; SYNE1-Related Autosomal Recessive Cerebellar Ataxia. Identifiers: Orphanet 88644, MedGen C1853116, MONDO:0012549, OMIM 610743.

Allele frequency attached by ClinVar (database versions not stated): gnomAD exomes below 0.00001; TOPMed below 0.00001; gnomAD 0.00002.
gnomAD v4.1: 4 of 1,614,092 alleles (0.00025%); highest among the groups gnomAD compares: East Asian, 0.0067%; no homozygotes.

Submission:

Labcorp Genetics (formerly Invitae), Labcorp
Classification: Uncertain significance for Emery-Dreifuss muscular dystrophy 4, autosomal dominant; Autosomal recessive ataxia, Beauce type. Last evaluated: 2022-06-20. Review status: criteria provided, single submitter. Criteria: Invitae Variant Classification Sherloc (09022015). Collection method: clinical testing. Allele origin: germline.
Comment: Algorithms developed to predict the effect of sequence changes on RNA splicing suggest that this variant may create or strengthen a splice site. Algorithms developed to predict the effect of missense changes on protein structure and function are either unavailable or do not agree on the potential impact of this missense change (SIFT: "Deleterious"; PolyPhen-2: "Benign"; Align-GVGD: "Class C65"). ClinVar contains an entry for this variant (Variation ID: 1044454). This variant has not been reported in the literature in individuals affected with SYNE1-related conditions. This variant is present in population databases (no rsID available, gnomAD 0.02%). This sequence change replaces aspartic acid, which is acidic and polar, with glycine, which is neutral and non-polar, at codon 4164 of the SYNE1 protein (p.Asp4164Gly). In summary, the available evidence is currently insufficient to determine the role of this variant in disease. Therefore, it has been classified as a Variant of Uncertain Significance.

NM_182961.4(SYNE1):c.12704A>G (p.Asp4235Gly)

Gene: SYNE1 (spectrin repeat containing nuclear envelope protein 1; minus strand). Cytogenetic location: 6q25.2.
Variant type: single nucleotide variant.
Coding change: c.12704A>G on transcript NM_182961.4 (MANE Select); coding-DNA position 12704, A replaced by G.
Protein change: p.Asp4235Gly; replaces aspartic acid 4235 with glycine.
Molecular consequence: missense variant.
Genome position (GRCh38, 1-based): chr6:152,334,098, T>C on the plus strand (A>G on the coding strand, the complement: SYNE1 is on the minus strand). VCF-style: chr6-152334098-T-C. GRCh37 (hg19) VCF-style: chr6-152655233-T-C.
Other names: c.12491A>G, p.Asp4164Gly (NM_033071.5); short protein forms D4164G, D4235G.
Identifiers: ClinVar variation 1044454 (VCV001044454.8), dbSNP rs964082904, ClinGen allele CA150181732.
Genomic context (GRCh38, chr6:152,334,098, plus strand): 5'-TTTTCTAGGAACACTTCAACAACATTCATACAGTCATGGTAATCTCTTGTTCTCTGAAGA[T>C]CCTCTTCCCTTTGCAAGCACAGGTTGTTAGACTGACGGCACAAATCGAGCCACTGATCAT-3'
Protein context (NP_892006.3, residues 4225-4245): SNNLCLQREE[Asp4235Gly]LQRTRDYHDC